The following is an entry in ClinVar:

ClinVar aggregate classification (germline): Uncertain significance (1 of 4 stars; one submission).

Conditions:
Hereditary cancer-predisposing syndrome. Also called: Tumor predisposition; Hereditary neoplastic syndrome; Neoplastic Syndromes, Hereditary; Hereditary Cancer Syndrome. Identifiers: Orphanet 140162, MedGen C0027672, MeSH D009386, MONDO:0015356.

Submission:

Ambry Genetics
Classification: Uncertain significance for Hereditary cancer-predisposing syndrome. Last evaluated: 2025-04-12. Review status: criteria provided, single submitter. Criteria: Ambry Variant Classification Scheme 2023. Collection method: clinical testing. Allele origin: germline.
Comment: The p.C685S variant (also known as c.2053T>A), located in coding exon 7 of the BLM gene, results from a T to A substitution at nucleotide position 2053. The cysteine at codon 685 is replaced by serine, an amino acid with dissimilar properties. This amino acid position is conserved. In addition, this alteration is predicted to be tolerated by in silico analysis. Based on the available evidence, the clinical significance of this variant remains unclear.

NM_000057.4(BLM):c.2053T>A (p.Cys685Ser)

Gene: BLM (BLM RecQ like helicase; plus strand). Cytogenetic location: 15q26.1.
Variant type: single nucleotide variant.
Coding change: c.2053T>A on transcript NM_000057.4 (MANE Select); coding-DNA position 2053, T replaced by A.
Protein change: p.Cys685Ser; replaces cysteine 685 with serine.
Molecular consequence: missense variant.
Genome position (GRCh38, 1-based): chr15:90,763,136, T>A. VCF-style: chr15-90763136-T-A. GRCh37 (hg19) VCF-style: chr15-91306366-T-A.
Other names: c.2053T>A, p.Cys685Ser (NM_001287246.2, NM_001287247.2); c.928T>A, p.Cys310Ser (NM_001287248.2); short protein forms C310S, C685S.
Identifiers: ClinVar variation 3991644 (VCV003991644.1).